The following is an entry in ClinVar:

ClinVar aggregate classification (germline): Benign/Likely benign. Review status: criteria provided, multiple submitters, no conflicts (2 of 4 stars). 2 submissions from 2 submitters: Benign (1); Likely benign (1). Last evaluated 2025-06-13.

Allele frequency attached by ClinVar (database versions not stated): gnomAD exomes 0.00031 and 0.00085; ExAC 0.00168; 1000 Genomes Project 0.00379; gnomAD 0.00380 and 0.00410; 1000 Genomes Project 30x 0.00422; TOPMed 0.00430.
gnomAD v4.1: 1,012 of 1,550,044 alleles (0.065%); highest among the groups gnomAD compares: African/African-American, 1.3%; 5 homozygotes.

Submissions (2):

Labcorp Genetics (formerly Invitae), Labcorp
Classification: Benign. Last evaluated: 2025-06-13. Review status: criteria provided, single submitter. Criteria: Invitae Variant Classification Sherloc (09022015). Collection method: clinical testing. Allele origin: germline.

GeneDx
Classification: Likely benign. Last evaluated: 2019-02-04. Review status: criteria provided, single submitter. Criteria: GeneDx Variant Classification Process June 2021. Collection method: clinical testing. Allele origin: germline. Affected: yes.
Comment: See Variant Classification Assertion Criteria.

NM_001291088.2(WDR87):c.3126-17T>C

Gene: WDR87 (WD repeat domain 87; minus strand). Cytogenetic location: 19q13.13.
Variant type: single nucleotide variant.
Coding change: c.3126-17T>C on transcript NM_001291088.2 (MANE Select); 17 bases into the intron before coding-DNA position 3126, T replaced by C.
Molecular consequence: intron variant.
Genome position (GRCh38, 1-based): chr19:37,891,837, A>G on the plus strand (T>C on the coding strand, the complement: WDR87 is on the minus strand). VCF-style: chr19-37891837-A-G. GRCh37 (hg19) VCF-style: chr19-38382477-A-G.
Other names: c.3009-17T>C (NM_031951.5).
Identifiers: ClinVar variation 1590078 (VCV001590078.10), dbSNP rs147439984, ClinGen allele CA9408748.